The following is an entry in ClinVar:

ClinVar aggregate classification (germline): Benign. Review status: criteria provided, multiple submitters, no conflicts (2 of 4 stars). 2 submissions from 2 submitters: Benign (2). Last evaluated 2018-06-14.

Allele frequency attached by ClinVar (database versions not stated): gnomAD exomes 0.00325; gnomAD 0.03380 and 0.03628; TOPMed 0.03851; 1000 Genomes Project 0.03854; 1000 Genomes Project 30x 0.04310.
gnomAD v4.1: 9,457 of 1,415,434 alleles (0.67%); highest among the groups gnomAD compares: African/African-American, 12%; 525 homozygotes.

Submissions (2):

GeneDx
Classification: Benign. Last evaluated: 2018-06-14. Review status: criteria provided, single submitter. Criteria: GeneDx Variant Classification (06012015). Collection method: clinical testing. Allele origin: germline. Affected: yes.
Comment: This variant is considered likely benign or benign based on one or more of the following criteria: it is a conservative change, it occurs at a poorly conserved position in the protein, it is predicted to be benign by multiple in silico algorithms, and/or has population frequency not consistent with disease.

Breakthrough Genomics
Classification: Benign. Review status: criteria provided, single submitter. Criteria: ACMG Guidelines, 2015. Collection method: not provided. Allele origin: germline. Inheritance: Autosomal recessive inheritance. Affected: yes.

NM_001377.3(DYNC2H1):c.6477+91C>G

Gene: DYNC2H1 (dynein cytoplasmic 2 heavy chain 1; plus strand). Cytogenetic location: 11q22.3.
Variant type: single nucleotide variant.
Coding change: c.6477+91C>G on transcript NM_001377.3 (MANE Select); 91 bases into the intron after coding-DNA position 6477, C replaced by G.
Molecular consequence: intron variant.
Genome position (GRCh38, 1-based): chr11:103,181,977, C>G. VCF-style: chr11-103181977-C-G. GRCh37 (hg19) VCF-style: chr11-103052706-C-G.
Other names: c.6477+91C>G (NM_001080463.2).
Identifiers: ClinVar variation 676694 (VCV000676694.2), dbSNP rs11225585, ClinGen allele CA227403958.
Genomic context (GRCh38, chr11:103,181,977, plus strand): 5'-CGAGGTGAGAAGTATGATTAAGAGTGATGCTTATTTTAACTTCCTTGTGGTAGAACTCTG[C>G]TGGAATGTGGGTGTGAGGTGAGAGGTGGATTTTGTCACTGCTACTCCTCTGTATCTCTTA-3'